The following is an entry in ClinVar:

ClinVar aggregate classification (germline): Pathogenic (1 of 4 stars; one submission).

Conditions:
Frontotemporal dementia and/or amyotrophic lateral sclerosis 1 (FTDALS1). Also called: Frontotemporal dementia with motor neuron disease 1; C9orf72 Frontotemporal Dementia and/or Amyotrophic Lateral Sclerosis. Identifiers: Orphanet 275872, MedGen C5779877, MONDO:0007105, OMIM 105550.
Paget disease of bone 2, early-onset (PDB2). Also called: Paget disease of bone 2. Identifiers: MedGen C4085251, MONDO:0011183, OMIM 602080.

Submission:

Labcorp Genetics (formerly Invitae), Labcorp
Classification: Pathogenic for Paget disease of bone 2, early-onset; Frontotemporal dementia and/or amyotrophic lateral sclerosis 1. Last evaluated: 2023-12-04. Review status: criteria provided, single submitter. Criteria: Invitae Variant Classification Sherloc (09022015). Collection method: clinical testing. Allele origin: germline.
Comment: This sequence change creates a premature translational stop signal (p.Glu104Argfs*49) in the SQSTM1 gene. It is expected to result in an absent or disrupted protein product. Loss-of-function variants in SQSTM1 are known to be pathogenic (PMID: 27545679, 29959261). This variant is not present in population databases (gnomAD no frequency). This variant has not been reported in the literature in individuals affected with SQSTM1-related conditions. For these reasons, this variant has been classified as Pathogenic.

Literature cited by the submitters: PubMed 27545679; PubMed 29959261.

NM_003900.5(SQSTM1):c.309dup (p.Glu104fs)

Gene: SQSTM1 (sequestosome 1; plus strand). Cytogenetic location: 5q35.3.
Variant type: Duplication.
Coding change: c.309dup on transcript NM_003900.5 (MANE Select); coding-DNA position 309, one base duplicated (A; older notation c.309dupA).
Protein change: p.Glu104fs; shifts the reading frame from glutamic acid 104.
Molecular consequence: frameshift variant.
Genome position (GRCh38, 1-based): chr5:179,823,865, A duplicated; the last of 6 consecutive A bases (chr5:179,823,860-179,823,865); duplicating any one gives the same sequence. VCF-style (leftmost placement, unchanged base first): chr5-179823859-G-GA. GRCh37 (hg19) VCF-style: chr5-179250859-G-GA.
Other names: c.57dup, p.Glu20fs (NM_001142298.2, NM_001142299.2); short protein forms E104fs, E20fs.
Identifiers: ClinVar variation 2952106 (VCV002952106.3), dbSNP rs1008679317, ClinGen allele CA133098121.
Genomic context (GRCh38, chr5:179,823,859, plus strand): 5'-ACAGAGGGGGAGGACTTTAGGGGGTCCCACCCTAGCGGCTCTCTTTACCCTTCCTGTAGA[G>GA]AAAAAAGAGTGCCGGCGGGACCACCGCCCACCGTGTGCTCAGGAGGCGCCCCGCAACATG-3'